The following is an entry in ClinVar:

ClinVar aggregate classification (germline): Uncertain significance (1 of 4 stars; one submission).

Conditions:
Familial thoracic aortic aneurysm and aortic dissection (TAAD). Also called: Thoracic aortic aneurysms and dissections. Identifiers: Orphanet 91387, MedGen C4707243, MONDO:0019625.

Submission:

Ambry Genetics
Classification: Uncertain significance for Familial thoracic aortic aneurysm and aortic dissection. Last evaluated: 2025-02-14. Review status: criteria provided, single submitter. Criteria: Ambry Variant Classification Scheme 2023. Collection method: clinical testing. Allele origin: germline.
Comment: The p.N770D variant (also known as c.2308A>G), located in coding exon 18 of the FBN2 gene, results from an A to G substitution at nucleotide position 2308. The asparagine at codon 770 is replaced by aspartic acid, an amino acid with highly similar properties. This amino acid position is highly conserved in available vertebrate species. In addition, the in silico prediction for this alteration is inconclusive. Based on the available evidence, the clinical significance of this variant remains unclear.

NM_001999.4(FBN2):c.2308A>G (p.Asn770Asp)

Gene: FBN2 (fibrillin 2; minus strand). Cytogenetic location: 5q23.3.
Variant type: single nucleotide variant.
Coding change: c.2308A>G on transcript NM_001999.4 (MANE Select); coding-DNA position 2308, A replaced by G.
Protein change: p.Asn770Asp; replaces asparagine 770 with aspartic acid.
Molecular consequence: missense variant.
Genome position (GRCh38, 1-based): chr5:128,364,720, T>C on the plus strand (A>G on the coding strand, the complement: FBN2 is on the minus strand). VCF-style: chr5-128364720-T-C. GRCh37 (hg19) VCF-style: chr5-127700413-T-C.
Other names: short protein forms N770D.
Identifiers: ClinVar variation 3849213 (VCV003849213.1).